The following is an entry in ClinVar:

NM_001113378.2(FANCI):c.3061G>A (p.Asp1021Asn)

Gene: FANCI (FA complementation group I; plus strand). Cytogenetic location: 15q26.1.
Variant type: single nucleotide variant.
Coding change: c.3061G>A on transcript NM_001113378.2 (MANE Select); coding-DNA position 3061, G replaced by A.
Protein change: p.Asp1021Asn; replaces aspartic acid 1021 with asparagine.
Molecular consequence: missense variant.
Genome position (GRCh38, 1-based): chr15:89,305,117, G>A. VCF-style: chr15-89305117-G-A. GRCh37 (hg19) VCF-style: chr15-89848348-G-A.
Other names: c.3061G>A, p.Asp1021Asn (NM_001376911.1); c.2881G>A, p.Asp961Asn (NM_018193.3); c.2782G>A, p.Asp928Asn (NM_001376910.1); short protein forms D1021N, D928N, D961N.
Identifiers: ClinVar variation 1022182 (VCV001022182.8), dbSNP rs2054667740, ClinGen allele CA393738953.
Genomic context (GRCh38, chr15:89,305,117, plus strand): 5'-TGAGCCACTGCACTTGGCCACAACTTACCTTTTAATTTGCTTTTCTTCCTATTCCTAGAG[G>A]ATGCCTTGTTTTGCAAGAGCTTGATGAACTTGCTCTTCAGCCTGCATGTTTCGTATAAGA-3'
Protein context (NP_001106849.1, residues 1011-1031): SKICKENSRE[Asp1021Asn]ALFCKSLMNL

ClinVar aggregate classification (germline): Uncertain significance (1 of 4 stars; one submission).

Conditions:
Fanconi anemia (FA). Also called: Fanconi's anemia. Identifiers: Orphanet 84, MedGen C0015625, MeSH D005199, MONDO:0019391.

Submission:

Labcorp Genetics (formerly Invitae), Labcorp
Classification: Uncertain significance for Fanconi anemia. Last evaluated: 2022-07-25. Review status: criteria provided, single submitter. Criteria: Invitae Variant Classification Sherloc (09022015). Collection method: clinical testing. Allele origin: germline.
Comment: In summary, the available evidence is currently insufficient to determine the role of this variant in disease. Therefore, it has been classified as a Variant of Uncertain Significance. Algorithms developed to predict the effect of missense changes on protein structure and function are either unavailable or do not agree on the potential impact of this missense change (SIFT: "Deleterious"; PolyPhen-2: "Probably Damaging"; Align-GVGD: "Class C0"). ClinVar contains an entry for this variant (Variation ID: 1022182). This variant has not been reported in the literature in individuals affected with FANCI-related conditions. This variant is not present in population databases (gnomAD no frequency). This sequence change replaces aspartic acid, which is acidic and polar, with asparagine, which is neutral and polar, at codon 1021 of the FANCI protein (p.Asp1021Asn).